The following is an entry in ClinVar:

ClinVar aggregate classification (germline): Uncertain significance. Review status: criteria provided, multiple submitters, no conflicts (2 of 4 stars). 2 submissions from 2 submitters: Uncertain significance (2). Last evaluated 2020-11-30.

Allele frequency attached by ClinVar (database versions not stated): gnomAD exomes below 0.00001; TOPMed 0.00001; ExAC 0.00002.

Submissions (2):

Laboratorio de Genetica e Diagnostico Molecular, Hospital Israelita Albert Einstein
Classification: Uncertain significance. Last evaluated: 2020-11-30. Review status: criteria provided, single submitter. Criteria: ACMG Guidelines, 2015. Collection method: clinical testing. Allele origin: germline. Affected: yes.
Comment: ACMG classification criteria: PM2

Blueprint Genetics
Classification: Uncertain significance. Last evaluated: 2020-07-13. Review status: criteria provided, single submitter. Criteria: ACMG Guidelines, 2015. Collection method: clinical testing. Allele origin: germline.

NM_006755.2(TALDO1):c.1A>G (p.Met1Val)

Gene: TALDO1 (transaldolase 1; plus strand). Cytogenetic location: 11p15.5.
Variant type: single nucleotide variant.
Coding change: c.1A>G on transcript NM_006755.2 (MANE Select); coding-DNA position 1, A replaced by G.
Protein change: p.Met1Val; changes the start codon (methionine 1).
Molecular consequence: missense variant, initiator codon variant.
Genome position (GRCh38, 1-based): chr11:747,482, A>G. VCF-style: chr11-747482-A-G. GRCh37 (hg19) VCF-style: chr11-747482-A-G.
Other names: short protein forms M1V.
Identifiers: ClinVar variation 1690977 (VCV001690977.4), dbSNP rs772211654, ClinGen allele CA5787975.